The following is an entry in ClinVar:

NM_000384.3(APOB):c.688G>A (p.Gly230Ser)

Gene: APOB (apolipoprotein B; minus strand). Cytogenetic location: 2p24.1.
Variant type: single nucleotide variant.
Coding change: c.688G>A on transcript NM_000384.3 (MANE Select); coding-DNA position 688, G replaced by A.
Protein change: p.Gly230Ser; replaces glycine 230 with serine.
Molecular consequence: missense variant.
Genome position (GRCh38, 1-based): chr2:21,037,105, C>T on the plus strand (G>A on the coding strand, the complement: APOB is on the minus strand). VCF-style: chr2-21037105-C-T. GRCh37 (hg19) VCF-style: chr2-21259977-C-T.
Other names: short protein forms G230S.
Identifiers: ClinVar variation 2946435 (VCV002946435.3), dbSNP rs2465445528, ClinGen allele CA345961468.

ClinVar aggregate classification (germline): Uncertain significance (1 of 4 stars; one submission).

Conditions:
Familial hypobetalipoproteinemia 1. Also called: APOB-Related Familial Hypobetalipoproteinemia; Hypobetalipoproteinemia, normotriglyceridemic; Acanthocytosis with hypobetalipoproteinemia. Identifiers: MedGen C4551990, MONDO:0014252, OMIM 615558.
Hypercholesterolemia, autosomal dominant, type B (FHCL2). Also called: Familial Hypercholesterolemia Type B; APOLIPOPROTEIN B-100, FAMILIAL DEFECTIVE; APOLIPOPROTEIN B-100, FAMILIAL LIGAND-DEFECTIVE; HYPERCHOLESTEROLEMIA, FAMILIAL, DUE TO LIGAND-DEFECTIVE APOLIPOPROTEIN B; Hyperlipoproteinemia Type IIb; Familial hypercholesterolemia 2. Identifiers: MedGen C1704417, MONDO:0007751, OMIM 144010.

Submission:

Labcorp Genetics (formerly Invitae), Labcorp
Classification: Uncertain significance for Familial hypobetalipoproteinemia 1; Hypercholesterolemia, autosomal dominant, type B. Last evaluated: 2023-04-09. Review status: criteria provided, single submitter. Criteria: Invitae Variant Classification Sherloc (09022015). Collection method: clinical testing. Allele origin: germline.
Comment: In summary, the available evidence is currently insufficient to determine the role of this variant in disease. Therefore, it has been classified as a Variant of Uncertain Significance. Advanced modeling of protein sequence and biophysical properties (such as structural, functional, and spatial information, amino acid conservation, physicochemical variation, residue mobility, and thermodynamic stability) performed at Invitae indicates that this missense variant is not expected to disrupt APOB protein function. This variant has not been reported in the literature in individuals affected with APOB-related conditions. This variant is not present in population databases (gnomAD no frequency). This sequence change replaces glycine, which is neutral and non-polar, with serine, which is neutral and polar, at codon 230 of the APOB protein (p.Gly230Ser).